The following is an entry in ClinVar:

NM_000073.3(CD3G):c.484-1G>A

Gene: CD3G (CD3 gamma subunit of T-cell receptor complex; plus strand). Cytogenetic location: 11q23.3.
Variant type: single nucleotide variant.
Coding change: c.484-1G>A on transcript NM_000073.3 (MANE Select); the canonical splice acceptor site of the intron before coding-DNA position 484, G replaced by A.
Molecular consequence: splice acceptor variant.
Genome position (GRCh38, 1-based): chr11:118,352,403, G>A. VCF-style: chr11-118352403-G-A. GRCh37 (hg19) VCF-style: chr11-118223118-G-A.
Identifiers: ClinVar variation 1705260 (VCV001705260.1), dbSNP rs1948418139, ClinGen allele CA382794486.

ClinVar aggregate classification (germline): Likely pathogenic (1 of 4 stars; one submission).

Conditions:
Severe combined immunodeficiency disease. Also called: Severe combined immunodeficiency; Severe Combined Immune Deficiency. Identifiers: Orphanet 183660, MedGen C0085110, MeSH D016511, MONDO:0015974, HP:0004430. Inheritance: X-Linked or Autosomal recessive.

Allele frequency attached by ClinVar (database versions not stated): TOPMed below 0.00001; gnomAD 0.00001.
gnomAD v4.1: 1 of 1,613,422 alleles (0.000062%); highest among the groups gnomAD compares: African/African-American, 0.0013%; no homozygotes.

Submission:

Women's Health and Genetics/Laboratory Corporation of America, LabCorp
Classification: Likely pathogenic for Severe combined immunodeficiency disease. Last evaluated: 2022-08-04. Review status: criteria provided, single submitter. Criteria: LabCorp Variant Classification Summary - May 2015. Collection method: clinical testing. Allele origin: germline.
Comment: Variant summary: CD3G c.484-1G>A is located in a canonical splice-site and is predicted to affect mRNA splicing resulting in a significantly altered protein due to either exon skipping, shortening, or inclusion of intronic material. Several computational tools predict a significant impact on normal splicing: Four predict the variant abolishes a canonical 3' acceptor site, affecting splicing of the last coding exon (exon 6). However, these predictions have yet to be confirmed by functional studies. The variant was absent in 251468 control chromosomes (gnomAD). To our knowledge, no occurrence of c.484-1G>A in individuals affected with Severe Combined Immunodeficiency and no experimental evidence demonstrating its impact on protein function have been reported. No clinical diagnostic laboratories have submitted clinical-significance assessments for this variant to ClinVar after 2014. At least one truncation variant within exon 6 has been cited as pathogenic in ClinVar (Variation ID: 1457956). Based on the evidence outlined above, the variant was classified as likely pathogenic.